The following is an entry in ClinVar:

ClinVar aggregate classification (germline): Likely pathogenic (1 of 4 stars; one submission).

Conditions:
Holocarboxylase synthetase deficiency. Also called: MULTIPLE CARBOXYLASE DEFICIENCY, EARLY ONSET. Identifiers: Orphanet 79242, MedGen C0268581, MONDO:0009666, OMIM 253270.

Submission:

Natera, Inc.
Classification: Likely pathogenic for Holocarboxylase synthetase deficiency. Last evaluated: 2024-09-30. Review status: criteria provided, single submitter. Criteria: Natera Variant Classification Schema (03/2026). Collection method: clinical testing. Allele origin: germline.
Comment: The c.122_128dup variant in HLCS is a frameshift variant predicted to shift the reading frame beginning at codon 44 and leads to a stop codon 5 codons downstream. This variant is expected to result in nonsense mediated decay, truncation, or a dysfunctional protein product. This variant is rare in the general population with a frequency below the threshold expected for the associated phenotype(s). Given the available evidence, this variant is classified as Likely Pathogenic.

NM_001352514.2(HLCS):c.563_569dup (p.Lys191fs)

Gene: HLCS (holocarboxylase synthetase; minus strand). Cytogenetic location: 21q22.13.
Variant type: Duplication.
Coding change: c.563_569dup on transcript NM_001352514.2 (MANE Select); coding-DNA positions 563 to 569, 7 bases duplicated (TAGAGCC; older notation c.563_569dupTAGAGCC).
Protein change: p.Lys191fs; shifts the reading frame from lysine 191.
Molecular consequence: frameshift variant. On other transcripts: non-coding transcript variant (2).
Genome position (GRCh38, 1-based): chr21:36,937,317-36,937,323, GGCTCTA duplicated on the plus strand (TAGAGCC on the coding strand, the reverse complement: HLCS is on the minus strand); duplicating any 7 consecutive bases within chr21:36,937,317-36,937,325 gives the same sequence; the c. name uses the placement nearest the transcript's 3' end. VCF-style (leftmost placement, unchanged base first): chr21-36937316-C-CGGCTCTA. GRCh37 (hg19) VCF-style: chr21-38309616-C-CGGCTCTA.
Other names: c.122_128dup, p.Lys44fs (NM_000411.8, NM_001242784.3, NM_001242785.2 and 4 more transcripts); short protein forms K191fs, K44fs.
Identifiers: ClinVar variation 4818324 (VCV004818324.1).